The following is an entry in ClinVar:

NM_001711.6(BGN):c.479C>A (p.Ser160Tyr)

Gene: BGN (biglycan; plus strand). Cytogenetic location: Xq28.
Variant type: single nucleotide variant.
Coding change: c.479C>A on transcript NM_001711.6 (MANE Select); coding-DNA position 479, C replaced by A.
Protein change: p.Ser160Tyr; replaces serine 160 with tyrosine.
Molecular consequence: missense variant.
Genome position (GRCh38, 1-based): chrX:153,505,990, C>A. VCF-style: chrX-153505990-C-A. GRCh37 (hg19) VCF-style: chrX-152771448-C-A.
Other names: short protein forms S160Y.
Identifiers: ClinVar variation 1392876 (VCV001392876.6), dbSNP rs1556993033, ClinGen allele CA415069696.

ClinVar aggregate classification (germline): Uncertain significance (1 of 4 stars; one submission).

Submission:

Labcorp Genetics (formerly Invitae), Labcorp
Classification: Uncertain significance. Last evaluated: 2022-08-15. Review status: criteria provided, single submitter. Criteria: Invitae Variant Classification Sherloc (09022015). Collection method: clinical testing. Allele origin: germline.
Comment: This sequence change replaces serine, which is neutral and polar, with tyrosine, which is neutral and polar, at codon 160 of the BGN protein (p.Ser160Tyr). This variant is not present in population databases (gnomAD no frequency). This variant has not been reported in the literature in individuals affected with BGN-related conditions. ClinVar contains an entry for this variant (Variation ID: 1392876). Algorithms developed to predict the effect of missense changes on protein structure and function are either unavailable or do not agree on the potential impact of this missense change (SIFT: "Not Available"; PolyPhen-2: "Probably Damaging"; Align-GVGD: "Not Available"). In summary, the available evidence is currently insufficient to determine the role of this variant in disease. Therefore, it has been classified as a Variant of Uncertain Significance.